The following is an entry in ClinVar:

NM_005477.3(HCN4):c.1560G>A (p.Leu520=)

Gene: HCN4 (hyperpolarization activated cyclic nucleotide gated potassium channel 4; minus strand). Cytogenetic location: 15q24.1.
Variant type: single nucleotide variant.
Coding change: c.1560G>A on transcript NM_005477.3 (MANE Select); coding-DNA position 1560, G replaced by A.
Protein change: p.Leu520=; no amino-acid change (leucine 520 retained).
Molecular consequence: synonymous variant.
Genome position (GRCh38, 1-based): chr15:73,329,603, C>T on the plus strand (G>A on the coding strand, the complement: HCN4 is on the minus strand). VCF-style: chr15-73329603-C-T. GRCh37 (hg19) VCF-style: chr15-73621944-C-T.
Identifiers: ClinVar variation 385737 (VCV000385737.15), dbSNP rs200033529, ClinGen allele CA7649282.

ClinVar aggregate classification (germline): Likely benign. Review status: criteria provided, multiple submitters, no conflicts (2 of 4 stars). 4 submissions from 4 submitters: Likely benign (4). Last evaluated 2025-12-08.

Conditions:
HCN4-related disorder. Also called: HCN4-related condition.
Cardiovascular phenotype. Identifiers: MedGen CN230736.
Brugada syndrome 8 (BRGDA8). Identifiers: Orphanet 130, MedGen C2751083, MONDO:0013148, OMIM 613123.

Allele frequency attached by ClinVar (database versions not stated): gnomAD 0.00001; TOPMed 0.00003; gnomAD exomes 0.00004; ExAC 0.00008; ESP Exome Variant Server 0.00008.
gnomAD v4.1: 64 of 1,613,976 alleles (0.004%); highest among the groups gnomAD compares: Non-Finnish European, 0.0051%; no homozygotes.

Submissions (4):

Labcorp Genetics (formerly Invitae), Labcorp
Classification: Likely benign for Brugada syndrome 8. Last evaluated: 2025-12-08. Review status: criteria provided, single submitter. Criteria: Invitae Variant Classification Sherloc (09022015). Collection method: clinical testing. Allele origin: germline.

PreventionGenetics, part of Exact Sciences
Classification: Likely benign for HCN4-related condition. Last evaluated: 2025-09-29. Review status: criteria provided, single submitter. Criteria: ACMG Guidelines, 2015. Collection method: clinical testing. Allele origin: germline.
Comment: This variant is classified as likely benign based on ACMG/AMP sequence variant interpretation guidelines (Richards et al. 2015 PMID: 25741868, with internal and published modifications).

Ambry Genetics
Classification: Likely benign for Cardiovascular phenotype. Last evaluated: 2019-08-01. Review status: criteria provided, single submitter. Criteria: Ambry Variant Classification Scheme 2023. Collection method: clinical testing. Allele origin: germline.

GeneDx
Classification: Likely benign. Last evaluated: 2019-07-10. Review status: criteria provided, single submitter. Criteria: GeneDx Variant Classification Process June 2021. Collection method: clinical testing. Allele origin: germline. Affected: yes.